The following is an entry in ClinVar:

ClinVar aggregate classification (germline): Likely benign. Review status: criteria provided, multiple submitters, no conflicts (2 of 4 stars). 3 submissions from 3 submitters: Likely benign (3). Last evaluated 2026-08-01.

Conditions:
Cardiovascular phenotype. Identifiers: MedGen CN230736.

gnomAD v4.1: 4 of 1,549,356 alleles (0.00026%); highest among the groups gnomAD compares: East Asian, 0.0024%; no homozygotes.

Submissions (3):

CeGaT Center for Human Genetics Tuebingen
Classification: Likely benign. Last evaluated: 2026-08-01. Review status: criteria provided, single submitter. Criteria: CeGaT Center For Human Genetics Tuebingen Variant Classification Criteria Version 2. Collection method: clinical testing. Allele origin: germline. Affected: yes. Observed: 1 variant allele.
Comment: ZNF469: BP4, BP7

Labcorp Genetics (formerly Invitae), Labcorp
Classification: Likely benign. Last evaluated: 2023-12-15. Review status: criteria provided, single submitter. Criteria: Invitae Variant Classification Sherloc (09022015). Collection method: clinical testing. Allele origin: germline.

Ambry Genetics
Classification: Likely benign for Cardiovascular phenotype. Last evaluated: 2023-10-27. Review status: criteria provided, single submitter. Criteria: Ambry Variant Classification Scheme 2023. Collection method: clinical testing. Allele origin: germline.

NM_001367624.2(ZNF469):c.9243G>C (p.Thr3081=)

Gene: ZNF469 (zinc finger protein 469; plus strand). Cytogenetic location: 16q24.2.
Variant type: single nucleotide variant.
Coding change: c.9243G>C on transcript NM_001367624.2 (MANE Select); coding-DNA position 9243, G replaced by C.
Protein change: p.Thr3081=; no amino-acid change (threonine 3081 retained).
Molecular consequence: synonymous variant.
Genome position (GRCh38, 1-based): chr16:88,436,713, G>C. VCF-style: chr16-88436713-G-C. GRCh37 (hg19) VCF-style: chr16-88503121-G-C.
Other names: NM_001127464.1:c.9159G>C.
Identifiers: ClinVar variation 2721699 (VCV002721699.5), dbSNP rs752856857, ClinGen allele CA497358506.